The following is an entry in ClinVar:

ClinVar aggregate classification (germline): Uncertain significance (1 of 4 stars; one submission).

Conditions:
Hypertrophic cardiomyopathy. Also called: HYPERTROPHIC MYOCARDIOPATHY. Identifiers: Orphanet 217569, MedGen C0007194, MeSH D002312, MONDO:0005045, HP:0001639.

Submission:

Labcorp Genetics (formerly Invitae), Labcorp
Classification: Uncertain significance for Hypertrophic cardiomyopathy. Last evaluated: 2025-05-27. Review status: criteria provided, single submitter. Criteria: Invitae Variant Classification Sherloc (09022015). Collection method: clinical testing. Allele origin: germline.
Comment: This sequence change replaces aspartic acid, which is acidic and polar, with glycine, which is neutral and non-polar, at codon 10 of the JPH2 protein (p.Asp10Gly). This variant is not present in population databases (gnomAD no frequency). This missense change has been observed in individual(s) with unexplained cardiac arrest (PMID: 35352813). ClinVar contains an entry for this variant (Variation ID: 3641775). An algorithm developed to predict the effect of missense changes on protein structure and function (PolyPhen-2) suggests that this variant is likely to be disruptive. In summary, the available evidence is currently insufficient to determine the role of this variant in disease. Therefore, it has been classified as a Variant of Uncertain Significance.

Literature cited by the submitters: PubMed 35352813.

NM_020433.5(JPH2):c.29A>G (p.Asp10Gly)

Gene: JPH2 (junctophilin 2; minus strand). Cytogenetic location: 20q13.12.
Variant type: single nucleotide variant.
Coding change: c.29A>G on transcript NM_020433.5 (MANE Select); coding-DNA position 29, A replaced by G.
Protein change: p.Asp10Gly; replaces aspartic acid 10 with glycine.
Molecular consequence: missense variant.
Genome position (GRCh38, 1-based): chr20:44,186,677, T>C on the plus strand (A>G on the coding strand, the complement: JPH2 is on the minus strand). VCF-style: chr20-44186677-T-C. GRCh37 (hg19) VCF-style: chr20-42815317-T-C.
Other names: c.29A>G, p.Asp10Gly (NM_175913.4); short protein forms D10G.
Identifiers: ClinVar variation 3641775 (VCV003641775.2).
Genomic context (GRCh38, chr20:44,186,677, plus strand): 5'-GTGCACAGTCCATGCCCATGGGCCTTTCCCCCCTCCCAGCCCCCGCAGTACGCCCCTCCA[T>C]CATCAAAGTCGAAGCGGCCCCCACTCATCTCATCATAGCCCCTGACAACCTCCCCGTCCT-3'
Protein context (NP_065166.2, residues 1-20): MSGGRFDFD[Asp10Gly]GGAYCGGWEG